The following is an entry in ClinVar:

NM_004519.4(KCNQ3):c.2544C>T (p.Ser848=)

Gene: KCNQ3 (potassium voltage-gated channel subfamily Q member 3; minus strand). Cytogenetic location: 8q24.22.
Variant type: single nucleotide variant.
Coding change: c.2544C>T on transcript NM_004519.4 (MANE Select); coding-DNA position 2544, C replaced by T.
Protein change: p.Ser848=; no amino-acid change (serine 848 retained).
Molecular consequence: synonymous variant.
Genome position (GRCh38, 1-based): chr8:132,129,337, G>A on the plus strand (C>T on the coding strand, the complement: KCNQ3 is on the minus strand). VCF-style: chr8-132129337-G-A. GRCh37 (hg19) VCF-style: chr8-133141584-G-A.
Other names: c.2184C>T, p.Ser728= (NM_001204824.2).
Identifiers: ClinVar variation 668522 (VCV000668522.11), dbSNP rs766822002, ClinGen allele CA4880416.

ClinVar aggregate classification (germline): Likely benign. Review status: criteria provided, multiple submitters, no conflicts (2 of 4 stars). 2 submissions from 2 submitters: Likely benign (2). Last evaluated 2025-04-27.

Conditions:
Benign neonatal seizures. Also called: Benign familial neonatal epilepsy; Convulsions benign familial neonatal dominant form; Autosomal dominant form of benign neonatal seizures; Benign familial neonatal seizures; Benign neonatal familial convulsions. Identifiers: Orphanet 1949, MedGen C0220669, MONDO:0016027.

Allele frequency attached by ClinVar (database versions not stated): gnomAD 0.00003 and 0.00004; gnomAD exomes 0.00003 and 0.00008; TOPMed 0.00005; ExAC 0.00013.
gnomAD v4.1: 55 of 1,614,022 alleles (0.0034%); highest among the groups gnomAD compares: East Asian, 0.0067%; no homozygotes.

Submissions (2):

Labcorp Genetics (formerly Invitae), Labcorp
Classification: Likely benign for Benign neonatal seizures. Last evaluated: 2025-04-27. Review status: criteria provided, single submitter. Criteria: Invitae Variant Classification Sherloc (09022015). Collection method: clinical testing. Allele origin: germline.

GeneDx
Classification: Likely benign. Last evaluated: 2018-05-21. Review status: criteria provided, single submitter. Criteria: GeneDx Variant Classification (06012015). Collection method: clinical testing. Allele origin: germline. Affected: yes.
Comment: This variant is considered likely benign or benign based on one or more of the following criteria: it is a conservative change, it occurs at a poorly conserved position in the protein, it is predicted to be benign by multiple in silico algorithms, and/or has population frequency not consistent with disease.